The following is an entry in ClinVar:

NM_201253.3(CRB1):c.3282A>T (p.Gln1094His)

Gene: CRB1 (crumbs cell polarity complex component 1; plus strand). Cytogenetic location: 1q31.3.
Variant type: single nucleotide variant.
Coding change: c.3282A>T on transcript NM_201253.3 (MANE Select); coding-DNA position 3282, A replaced by T.
Protein change: p.Gln1094His; replaces glutamine 1094 with histidine.
Molecular consequence: missense variant. On other transcripts: non-coding transcript variant (2), intron variant (1).
Genome position (GRCh38, 1-based): chr1:197,435,145, A>T. VCF-style: chr1-197435145-A-T. GRCh37 (hg19) VCF-style: chr1-197404275-A-T.
Other names: c.2946A>T, p.Gln982His (NM_001193640.2); c.3210A>T, p.Gln1070His (NM_001257965.2); c.2129-455A>T (NM_001257966.2); short protein forms Q1070H, Q1094H, Q982H.
Identifiers: ClinVar variation 1054094 (VCV001054094.11), dbSNP rs752719776, ClinGen allele CA344046986.

ClinVar aggregate classification (germline): Uncertain significance. Review status: criteria provided, multiple submitters, no conflicts (2 of 4 stars). 2 submissions from 2 submitters: Uncertain significance (2). Last evaluated 2022-02-09.

Conditions:
Leber congenital amaurosis 8 (LCA8). Identifiers: Orphanet 65, MedGen C3151202, MONDO:0013453, OMIM 613835.
Retinitis pigmentosa 12 (RP12). Also called: RP WITH OR WITHOUT PPRPE; RP WITH OR WITHOUT PRESERVED PARAARTERIOLE RETINAL PIGMENT EPITHELIUM; RETINITIS PIGMENTOSA WITH OR WITHOUT PARAARTERIOLAR PRESERVATION OF RETINAL PIGMENT EPITHELIUM. Identifiers: Orphanet 791, MedGen C1838647, MONDO:0010818, OMIM 600105.

gnomAD v4.1: 1 of 1,613,918 alleles (0.000062%); highest among the groups gnomAD compares: Non-Finnish European, 0.000085%; no homozygotes.

Submissions (2):

Labcorp Genetics (formerly Invitae), Labcorp
Classification: Uncertain significance for Leber congenital amaurosis 8; Retinitis pigmentosa 12. Last evaluated: 2022-02-09. Review status: criteria provided, single submitter. Criteria: Invitae Variant Classification Sherloc (09022015). Collection method: clinical testing. Allele origin: germline.
Comment: This sequence change replaces glutamine, which is neutral and polar, with histidine, which is basic and polar, at codon 1094 of the CRB1 protein (p.Gln1094His). This variant is not present in population databases (gnomAD no frequency). This variant has not been reported in the literature in individuals affected with CRB1-related conditions. ClinVar contains an entry for this variant (Variation ID: 1054094). Advanced modeling of protein sequence and biophysical properties (such as structural, functional, and spatial information, amino acid conservation, physicochemical variation, residue mobility, and thermodynamic stability) performed at Invitae indicates that this missense variant is not expected to disrupt CRB1 protein function. In summary, the available evidence is currently insufficient to determine the role of this variant in disease. Therefore, it has been classified as a Variant of Uncertain Significance.

Blueprint Genetics
Classification: Uncertain significance. Last evaluated: 2019-07-17. Review status: criteria provided, single submitter. Criteria: ACMG Guidelines, 2015. Collection method: clinical testing. Allele origin: germline.